The following is an entry in ClinVar:

NM_005051.3(QARS1):c.514C>T (p.Gln172Ter)

Gene: QARS1 (glutaminyl-tRNA synthetase 1; minus strand). Cytogenetic location: 3p21.31.
Variant type: single nucleotide variant.
Coding change: c.514C>T on transcript NM_005051.3 (MANE Select); coding-DNA position 514, C replaced by T.
Protein change: p.Gln172Ter; replaces glutamine 172 with a stop codon.
Molecular consequence: nonsense. On other transcripts: non-coding transcript variant (1).
Genome position (GRCh38, 1-based): chr3:49,103,347, G>A on the plus strand (C>T on the coding strand, the complement: QARS1 is on the minus strand). VCF-style: chr3-49103347-G-A. GRCh37 (hg19) VCF-style: chr3-49140780-G-A.
Other names: c.481C>T, p.Gln161Ter (NM_001272073.2); short protein forms Q172*, Q161*.
Identifiers: ClinVar variation 1456006 (VCV001456006.6), dbSNP rs2107111037, ClinGen allele CA352718349.
Genomic context (GRCh38, chr3:49,103,347, plus strand): 5'-TCCAGGCTCTGTTCATGCCAGAGTCTTTGCCAGCTTCAGCTTAGTGAAGCACGCTCACCT[G>A]CATGTCCACTTCATTCTTGATCATTTTGCCATCTGCCCACTTCAGCACAGCCCGAGCCTC-3'

ClinVar aggregate classification (germline): Pathogenic (1 of 4 stars; one submission).

Conditions:
Diffuse cerebral and cerebellar atrophy - intractable seizures - progressive microcephaly syndrome. Also called: Microcephaly, progressive, with seizures and cerebral and cerebellar atrophy. Identifiers: Orphanet 404437, MedGen C4014239, MONDO:0014335, OMIM 615760.

Allele frequency attached by ClinVar (database versions not stated): gnomAD exomes below 0.00001.

Submission:

Labcorp Genetics (formerly Invitae), Labcorp
Classification: Pathogenic for Diffuse cerebral and cerebellar atrophy - intractable seizures - progressive microcephaly syndrome. Last evaluated: 2022-07-19. Review status: criteria provided, single submitter. Criteria: Invitae Variant Classification Sherloc (09022015). Collection method: clinical testing. Allele origin: germline.
Comment: Algorithms developed to predict the effect of sequence changes on RNA splicing suggest that this variant may create or strengthen a splice site. This sequence change creates a premature translational stop signal (p.Gln172*) in the QARS gene. It is expected to result in an absent or disrupted protein product. Loss-of-function variants in QARS are known to be pathogenic (PMID: 24656866, 25471517). This variant is not present in population databases (gnomAD no frequency). This variant has not been reported in the literature in individuals affected with QARS-related conditions. ClinVar contains an entry for this variant (Variation ID: 1456006). For these reasons, this variant has been classified as Pathogenic.

Literature cited by the submitters: PubMed 24656866; PubMed 25471517.